The following is an entry in ClinVar:

ClinVar aggregate classification (germline): Pathogenic/Likely pathogenic. Review status: criteria provided, multiple submitters, no conflicts (2 of 4 stars). 5 submissions from 5 submitters: Pathogenic (1); Likely pathogenic (2). 2 of the submissions do not count toward it. Last evaluated 2025-08-16.

Conditions:
SERAC1-related disorder. Also called: SERAC1-related disorders; SERAC1-related condition.
3-methylglutaconic aciduria with deafness, encephalopathy, and Leigh-like syndrome (MEGDEL). Also called: 3-METHYLGLUTACONIC ACIDURIA, TYPE VI; SERAC1 Deficiency; MEGDEL syndrome. Identifiers: Orphanet 352328, MedGen C4040739, MONDO:0013875, OMIM 614739.

Submissions (5):

Labcorp Genetics (formerly Invitae), Labcorp
Classification: Pathogenic for 3-methylglutaconic aciduria with deafness, encephalopathy, and Leigh-like syndrome. Last evaluated: 2025-08-16. Review status: criteria provided, single submitter. Criteria: Invitae Variant Classification Sherloc (09022015). Collection method: clinical testing. Allele origin: germline.
Comment: This sequence change creates a premature translational stop signal (p.Leu550Serfs*19) in the SERAC1 gene. It is expected to result in an absent or disrupted protein product. Loss-of-function variants in SERAC1 are known to be pathogenic (PMID: 22683713). This variant is present in population databases (rs761964407, gnomAD 0.2%). This premature translational stop signal has been observed in individual(s) with 3-methylglutaconic aciduria with deafness, encephalopathy, and Leigh-like (MEGDEL) syndrome (PMID: 40714654). ClinVar contains an entry for this variant (Variation ID: 430608). For these reasons, this variant has been classified as Pathogenic.

Revvity Omics, Revvity
Classification: Likely pathogenic for 3-methylglutaconic aciduria with deafness, encephalopathy, and Leigh-like syndrome. Last evaluated: 2025-04-17. Review status: criteria provided, single submitter. Criteria: ACMG Guidelines, 2015. Collection method: clinical testing. Allele origin: germline.

Blueprint Genetics
Classification: Likely pathogenic for SERAC1-related disorders. Last evaluated: 2024-06-06. Review status: criteria provided, single submitter. Criteria: ACMG Guidelines, 2015. Collection method: clinical testing. Allele origin: germline. Affected: yes. Observed: 5 variant alleles.

OMIM
Classification: Pathogenic for 3-METHYLGLUTACONIC ACIDURIA WITH DEAFNESS, ENCEPHALOPATHY, AND LEIGH-LIKE SYNDROME. Last evaluated: 2021-11-17. Review status: no assertion criteria provided. Collection method: literature only. Allele origin: germline. Not counted in ClinVar's aggregate classification.

Yoda Diagnostics Pvt Ltd, YODA Diagnostics Pvt Ltd
Classification: Pathogenic for 3-methylglutaconic aciduria with deafness, encephalopathy, and Leigh-like syndrome. Review status: no assertion criteria provided. Collection method: research. Allele origin: germline. Affected: yes. Observed: 1 variant allele, 1 homozygote. Not counted in ClinVar's aggregate classification.
Comment: Serum lactate, transaminases and serum bilirubin elevated.

Literature cited by the submitters: PubMed 22683713 (cited by Labcorp Genetics (formerly Invitae), Labcorp); PubMed 40714654 (cited by Labcorp Genetics (formerly Invitae), Labcorp); PubMed 28778788 (cited by OMIM).

NM_032861.4(SERAC1):c.1643_1646dup (p.Leu550fs)

Gene: SERAC1 (serine active site containing 1; minus strand). Cytogenetic location: 6q25.3.
Variant type: Duplication.
Coding change: c.1643_1646dup on transcript NM_032861.4 (MANE Select); coding-DNA positions 1643 to 1646, 4 bases duplicated (ATCT; older notation c.1643_1646dupATCT).
Protein change: p.Leu550fs; shifts the reading frame from leucine 550.
Molecular consequence: frameshift variant. On other transcripts: non-coding transcript variant (1).
Genome position (GRCh38, 1-based): chr6:158,114,827-158,114,830, AGAT duplicated on the plus strand (ATCT on the coding strand, the reverse complement: SERAC1 is on the minus strand); duplicating any 4 consecutive bases within chr6:158,114,827-158,114,832 gives the same sequence; the c. name uses the placement nearest the transcript's 3' end. VCF-style (leftmost placement, unchanged base first): chr6-158114826-A-AAGAT. GRCh37 (hg19) VCF-style: chr6-158535858-A-AAGAT.
Other names: c.1643_1646dupATCT (NM_032861.3); short protein forms L550fs.
Identifiers: ClinVar variation 430608 (VCV000430608.10), dbSNP rs761964407, ClinGen allele CA4071010.